The following is an entry in ClinVar:

NM_020937.4(FANCM):c.4626A>C (p.Leu1542Phe)

Gene: FANCM (FA complementation group M; plus strand). Cytogenetic location: 14q21.2.
Variant type: single nucleotide variant.
Coding change: c.4626A>C on transcript NM_020937.4 (MANE Select); coding-DNA position 4626, A replaced by C.
Protein change: p.Leu1542Phe; replaces leucine 1542 with phenylalanine.
Molecular consequence: missense variant.
Genome position (GRCh38, 1-based): chr14:45,185,327, A>C. VCF-style: chr14-45185327-A-C. GRCh37 (hg19) VCF-style: chr14-45654530-A-C.
Other names: c.4548A>C, p.Leu1516Phe (NM_001308133.2); short protein forms L1542F, L1516F.
Identifiers: ClinVar variation 3512928 (VCV003512928.1).
Genomic context (GRCh38, chr14:45,185,327, plus strand): 5'-TGCAGAATATGTTTCATCAGATGAAAATGATGAGTCAGAAAATGAACAAGATTCCTCATT[A>C]CTTGACTTTTTAAATGATGAAACTCAACTTTCACAGGCTATAAATGGTAAATGTTATAAT-3'
Protein context (NP_065988.1, residues 1532-1552): DESENEQDSS[Leu1542Phe]LDFLNDETQL

ClinVar aggregate classification (germline): Uncertain significance (1 of 4 stars; one submission).

Conditions:
Inborn genetic diseases. Identifiers: MedGen C0950123, MeSH D030342.

Submission:

Ambry Genetics
Classification: Uncertain significance for Inborn genetic diseases. Last evaluated: 2024-11-25. Review status: criteria provided, single submitter. Criteria: Ambry Variant Classification Scheme 2023. Collection method: clinical testing. Allele origin: germline.
Comment: The p.L1542F variant (also known as c.4626A>C), located in coding exon 18 of the FANCM gene, results from an A to C substitution at nucleotide position 4626. The leucine at codon 1542 is replaced by phenylalanine, an amino acid with highly similar properties. This amino acid position is conserved. In addition, this alteration is predicted to be tolerated by in silico analysis. Based on the available evidence, the clinical significance of this variant remains unclear.